The following is an entry in ClinVar:

ClinVar aggregate classification (germline): Likely benign. Review status: criteria provided, multiple submitters, no conflicts (2 of 4 stars). 2 submissions from 2 submitters: Likely benign (2). Last evaluated 2018-06-14.

Allele frequency attached by ClinVar (database versions not stated): 1000 Genomes Project 30x 0.00500; 1000 Genomes Project 0.00519; gnomAD 0.00587 and 0.00631; TOPMed 0.00670.
gnomAD v4.1: 882 of 152,218 alleles (0.58%); highest among the groups gnomAD compares: African/African-American, 2%; 4 homozygotes.

Submissions (2):

GeneDx
Classification: Likely benign. Last evaluated: 2018-06-14. Review status: criteria provided, single submitter. Criteria: GeneDx Variant Classification (06012015). Collection method: clinical testing. Allele origin: germline. Affected: yes.
Comment: This variant is considered likely benign or benign based on one or more of the following criteria: it is a conservative change, it occurs at a poorly conserved position in the protein, it is predicted to be benign by multiple in silico algorithms, and/or has population frequency not consistent with disease.

Breakthrough Genomics
Classification: Likely benign. Review status: criteria provided, single submitter. Criteria: ACMG Guidelines, 2015. Collection method: not provided. Allele origin: germline. Inheritance: Autosomal recessive inheritance. Affected: yes.

NM_173630.4(RTTN):c.5824-248A>G

Genes: RTTN (rotatin; minus strand), LOC130062700 (ATAC-STARR-seq lymphoblastoid silent region 9539; plus strand). Cytogenetic location: 18q22.2.
Variant type: single nucleotide variant.
Coding change: c.5824-248A>G on transcript NM_173630.4 (MANE Select); 248 bases into the intron before coding-DNA position 5824, A replaced by G.
Molecular consequence: intron variant.
Genome position (GRCh38, 1-based): chr18:70,025,096, T>C on the plus strand (A>G on the coding strand, the complement: RTTN is on the minus strand). VCF-style: chr18-70025096-T-C. GRCh37 (hg19) VCF-style: chr18-67692332-T-C.
Other names: c.3088-248A>G (NM_001318520.2).
Identifiers: ClinVar variation 678365 (VCV000678365.2), dbSNP rs115339120, ClinGen allele CA301924365.